The following is an entry in ClinVar:

ClinVar aggregate classification (germline): Uncertain significance. Review status: criteria provided, multiple submitters, no conflicts (2 of 4 stars). 3 submissions from 3 submitters: Uncertain significance (3). Last evaluated 2024-11-11.

Conditions:
Tuberous sclerosis 2 (TSC2). Identifiers: Orphanet 805, MedGen C1860707, MONDO:0013199, OMIM 613254.

gnomAD v4.1: 1 of 1,611,040 alleles (0.000062%); no homozygotes.

Submissions (3):

Dasa
Classification: Uncertain significance for Tuberous sclerosis 2. Last evaluated: 2024-11-11. Review status: criteria provided, single submitter. Criteria: DASA Assertion Criteria. Collection method: clinical testing. Allele origin: germline.
Comment: NM_000548.5(TSC2):c.4876C>A (p.Pro1626Thr) is a missense variant that results in the substitution of proline with threonine. This variant is rare in population databases. Computational prediction algorithms are consistent with a deleterious effect. The currently available literature and clinical evidence are not sufficient to establish a definitive association between this variant and the reported condition. Therefore, this variant is classified as a variant of uncertain significance.

Labcorp Genetics (formerly Invitae), Labcorp
Classification: Uncertain significance for Tuberous sclerosis 2. Last evaluated: 2022-08-21. Review status: criteria provided, single submitter. Criteria: Invitae Variant Classification Sherloc (09022015). Collection method: clinical testing. Allele origin: germline.
Comment: This sequence change replaces proline, which is neutral and non-polar, with threonine, which is neutral and polar, at codon 1626 of the TSC2 protein (p.Pro1626Thr). This variant is not present in population databases (gnomAD no frequency). This variant has not been reported in the literature in individuals affected with TSC2-related conditions. ClinVar contains an entry for this variant (Variation ID: 1685189). Advanced modeling of protein sequence and biophysical properties (such as structural, functional, and spatial information, amino acid conservation, physicochemical variation, residue mobility, and thermodynamic stability) performed at Invitae indicates that this missense variant is expected to disrupt TSC2 protein function. In summary, the available evidence is currently insufficient to determine the role of this variant in disease. Therefore, it has been classified as a Variant of Uncertain Significance.

Mendelics
Classification: Uncertain significance. Last evaluated: 2022-05-04. Review status: criteria provided, single submitter. Criteria: Mendelics Assertion Criteria 2019. Collection method: clinical testing. Allele origin: germline.

NM_000548.5(TSC2):c.4876C>A (p.Pro1626Thr)

Gene: TSC2 (TSC complex subunit 2; plus strand). Cytogenetic location: 16p13.3.
Variant type: single nucleotide variant.
Coding change: c.4876C>A on transcript NM_000548.5 (MANE Select); coding-DNA position 4876, C replaced by A.
Protein change: p.Pro1626Thr; replaces proline 1626 with threonine.
Molecular consequence: missense variant.
Genome position (GRCh38, 1-based): chr16:2,086,758, C>A. VCF-style: chr16-2086758-C-A. GRCh37 (hg19) VCF-style: chr16-2136759-C-A.
Other names: c.4675C>A, p.Pro1559Thr (NM_001077183.3); c.4807C>A, p.Pro1603Thr (NM_001114382.3); c.4567C>A, p.Pro1523Thr (NM_001318827.2); c.4531C>A, p.Pro1511Thr (NM_001318829.2); c.4144C>A, p.Pro1382Thr (NM_001318831.2); c.4708C>A, p.Pro1570Thr (NM_001318832.2); c.4678C>A, p.Pro1560Thr (NM_001363528.2); c.4744C>A, p.Pro1582Thr (NM_001370404.1); and 1 more; short protein forms P1382T, P1511T, P1523T, P1559T, P1560T, P1570T, P1582T, P1583T.
Identifiers: ClinVar variation 1685189 (VCV001685189.9), dbSNP rs2090852831, ClinGen allele CA394308314.